The following is an entry in ClinVar:

ClinVar aggregate classification (germline): Uncertain significance (1 of 4 stars; one submission).

Conditions:
Hyperkalemic periodic paralysis. Also called: Familial hyperkalemic periodic paralysis; Gamstorp disease. Identifiers: Orphanet 682, MedGen C0238357, MONDO:0008224, OMIM 170500, HP:0007215.

gnomAD v4.1: 2 of 1,613,874 alleles (0.00012%); highest among the groups gnomAD compares: Non-Finnish European, 0.00017%; no homozygotes.

Submission:

Labcorp Genetics (formerly Invitae), Labcorp
Classification: Uncertain significance for Hyperkalemic periodic paralysis. Last evaluated: 2025-09-19. Review status: criteria provided, single submitter. Criteria: Invitae Variant Classification Sherloc (09022015). Collection method: clinical testing. Allele origin: germline.
Comment: This sequence change replaces tyrosine, which is neutral and polar, with cysteine, which is neutral and slightly polar, at codon 1187 of the SCN4A protein (p.Tyr1187Cys). This variant is not present in population databases (gnomAD no frequency). This variant has not been reported in the literature in individuals affected with SCN4A-related conditions. Invitae Evidence Modeling of protein sequence and biophysical properties (such as structural, functional, and spatial information, amino acid conservation, physicochemical variation, residue mobility, and thermodynamic stability) has been performed for this missense variant. However, the output from this modeling did not meet the statistical confidence thresholds required to predict the impact of this variant on SCN4A protein function. In summary, the available evidence is currently insufficient to determine the role of this variant in disease. Therefore, it has been classified as a Variant of Uncertain Significance.

NM_000334.4(SCN4A):c.3560A>G (p.Tyr1187Cys)

Genes: GH-LCR (growth hormone locus control region; plus strand), SCN4A (sodium voltage-gated channel alpha subunit 4; minus strand). Cytogenetic location: 17q23.3.
Variant type: single nucleotide variant.
Coding change: c.3560A>G on transcript NM_000334.4 (MANE Select); coding-DNA position 3560, A replaced by G.
Protein change: p.Tyr1187Cys; replaces tyrosine 1187 with cysteine.
Molecular consequence: missense variant.
Genome position (GRCh38, 1-based): chr17:63,945,520, T>C on the plus strand (A>G on the coding strand, the complement: SCN4A is on the minus strand). VCF-style: chr17-63945520-T-C. GRCh37 (hg19) VCF-style: chr17-62022880-T-C.
Other names: short protein forms Y1187C.
Identifiers: ClinVar variation 4808858 (VCV004808858.1).